The following is an entry in ClinVar:

NM_001375808.2(LPIN2):c.1269-2A>G

Gene: LPIN2 (lipin 2; minus strand). Cytogenetic location: 18p11.31.
Variant type: single nucleotide variant.
Coding change: c.1269-2A>G on transcript NM_001375808.2 (MANE Select); the canonical splice acceptor site of the intron before coding-DNA position 1269, A replaced by G.
Molecular consequence: splice acceptor variant.
Genome position (GRCh38, 1-based): chr18:2,931,445, T>C on the plus strand (A>G on the coding strand, the complement: LPIN2 is on the minus strand). VCF-style: chr18-2931445-T-C. GRCh37 (hg19) VCF-style: chr18-2931443-T-C.
Other names: c.1269-2A>G (NM_014646.2, NM_001375809.1).
Identifiers: ClinVar variation 3628359 (VCV003628359.3).

ClinVar aggregate classification (germline): Likely pathogenic. Review status: criteria provided, multiple submitters, no conflicts (2 of 4 stars). 2 submissions from 2 submitters: Likely pathogenic (2). Last evaluated 2025-03-31.

Conditions:
Majeed syndrome (MJDS). Also called: CHRONIC RECURRENT MULTIFOCAL OSTEOMYELITIS 1, WITH CONGENITAL DYSERYTHROPOIETIC ANEMIA, WITH OR WITHOUT NEUTROPHILIC DERMATOSIS; LPIN2-Related Majeed Syndrome. Identifiers: Orphanet 77297, MedGen C1864997, MONDO:0012316, OMIM 609628.

gnomAD v4.1: 2 of 1,578,476 alleles (0.00013%); highest among the groups gnomAD compares: Non-Finnish European, 0.00017%; no homozygotes.

Submissions (2):

ARUP Laboratories, Molecular Genetics and Genomics, ARUP Laboratories
Classification: Likely pathogenic for Majeed syndrome. Last evaluated: 2025-03-31. Review status: criteria provided, single submitter. Criteria: ARUP Molecular Germline Variant Investigation Process 2024. Collection method: clinical testing. Allele origin: germline.
Comment: The LPIN2 c.1269-2A>G variant (rs1438352942), to our knowledge, is not reported in the medical literature or gene specific databases. This variant is only observed on one allele in the Genome Aggregation Database (v2.1.1), indicating it is not a common polymorphism. This variant disrupts the canonical splice acceptor site of intron 8, which is likely to negatively impact gene function. Based on available information, this variant is considered to be likely pathogenic.

Labcorp Genetics (formerly Invitae), Labcorp
Classification: Likely pathogenic for Majeed syndrome. Last evaluated: 2024-07-24. Review status: criteria provided, single submitter. Criteria: Invitae Variant Classification Sherloc (09022015). Collection method: clinical testing. Allele origin: germline.
Comment: This sequence change affects an acceptor splice site in intron 8 of the LPIN2 gene. It is expected to disrupt RNA splicing. Variants that disrupt the donor or acceptor splice site typically lead to a loss of protein function (PMID: 16199547), and loss-of-function variants in LPIN2 are known to be pathogenic (PMID: 15994876, 23087183). This variant is present in population databases (no rsID available, gnomAD 0.001%). This variant has not been reported in the literature in individuals affected with LPIN2-related conditions. Algorithms developed to predict the effect of sequence changes on RNA splicing suggest that this variant may disrupt the consensus splice site. In summary, the currently available evidence indicates that the variant is pathogenic, but additional data are needed to prove that conclusively. Therefore, this variant has been classified as Likely Pathogenic.

Literature cited by the submitters: PubMed 16199547 (cited by Labcorp Genetics (formerly Invitae), Labcorp); PubMed 15994876 (cited by Labcorp Genetics (formerly Invitae), Labcorp); PubMed 23087183 (cited by Labcorp Genetics (formerly Invitae), Labcorp).